The following is an entry in ClinVar:

NM_000321.3(RB1):c.1887G>T (p.Glu629Asp)

Gene: RB1 (RB transcriptional corepressor 1; plus strand). Cytogenetic location: 13q14.2.
Variant type: single nucleotide variant.
Coding change: c.1887G>T on transcript NM_000321.3 (MANE Select); coding-DNA position 1887, G replaced by T.
Protein change: p.Glu629Asp; replaces glutamic acid 629 with aspartic acid.
Molecular consequence: missense variant.
Genome position (GRCh38, 1-based): chr13:48,456,276, G>T. VCF-style: chr13-48456276-G-T. GRCh37 (hg19) VCF-style: chr13-49030412-G-T.
Other names: c.1887G>T, p.Glu629Asp (NM_001407165.1); short protein forms E629D.
Identifiers: ClinVar variation 1781998 (VCV001781998.3), dbSNP rs367668687, ClinGen allele CA388166001.

ClinVar aggregate classification (germline): Uncertain significance (1 of 4 stars; one submission).

Conditions:
Hereditary cancer-predisposing syndrome. Also called: Neoplastic Syndromes, Hereditary; Tumor predisposition; Hereditary Cancer Syndrome; Hereditary neoplastic syndrome. Identifiers: Orphanet 140162, MedGen C0027672, MeSH D009386, MONDO:0015356.

Submission:

Ambry Genetics
Classification: Uncertain significance for Hereditary cancer-predisposing syndrome. Last evaluated: 2025-01-27. Review status: criteria provided, single submitter. Criteria: Ambry Variant Classification Scheme 2023. Collection method: clinical testing. Allele origin: germline.
Comment: The p.E629D variant (also known as c.1887G>T), located in coding exon 19 of the RB1 gene, results from a G to T substitution at nucleotide position 1887. The glutamic acid at codon 629 is replaced by aspartic acid, an amino acid with highly similar properties. This amino acid position is well conserved in available vertebrate species. In addition, this alteration is predicted to be tolerated by in silico analysis. Since supporting evidence is limited at this time, the clinical significance of this alteration remains unclear.